The following is an entry in ClinVar:

NM_024642.5(GALNT12):c.250CTGCAG[1] (p.84LQ[1])

Gene: GALNT12 (polypeptide N-acetylgalactosaminyltransferase 12; plus strand). Cytogenetic location: 9q22.33.
Variant type: Microsatellite.
Coding change: c.250CTGCAG[1] on transcript NM_024642.5 (MANE Select); one copy of the 6-base unit CTGCAG starting at c.250; the reference has two copies in a row; one copy, 6 bases deleted.
Protein change: p.84LQ[1].
Genome position (GRCh38, 1-based): chr9:98,807,954-98,807,959, CTGCAG deleted; deleting any 6 consecutive bases within chr9:98,807,947-98,807,959 gives the same sequence; the position shown is the placement nearest the transcript's 3' end. VCF-style (leftmost placement, unchanged base first): chr9-98807946-GGCTGCA-G. GRCh37 (hg19) VCF-style: chr9-101570228-GGCTGCA-G.
Identifiers: ClinVar variation 3572308 (VCV003572308.1).

ClinVar aggregate classification (germline): Uncertain significance (1 of 4 stars; one submission).

Submission:

Quest Diagnostics Nichols Institute San Juan Capistrano
Classification: Uncertain significance. Last evaluated: 2024-10-17. Review status: criteria provided, single submitter. Criteria: Quest Diagnostics criteria. Collection method: clinical testing. Allele origin: unknown.
Comment: The GALNT12 c.256_261del (p.Leu86_Gln87del) variant has not been reported in individuals with GALNT12-related conditions in the published literature. The frequency of this variant in the general population, 0.0000066 (1/151262 chromosomes (Genome Aggregation Database)), is uninformative in the assessment of its pathogenicity. Based on the available information, we are unable to determine the clinical significance of this variant.